The following is an entry in ClinVar:

ClinVar aggregate classification (germline): Uncertain significance. Review status: criteria provided, multiple submitters, no conflicts (2 of 4 stars). 3 submissions from 3 submitters: Uncertain significance (3). Last evaluated 2025-09-14.

Conditions:
Inborn genetic diseases. Identifiers: MedGen C0950123, MeSH D030342.

gnomAD v4.1: 61 of 1,613,614 alleles (0.0038%); highest among the groups gnomAD compares: Non-Finnish European, 0.0048%; no homozygotes.

Submissions (3):

Labcorp Genetics (formerly Invitae), Labcorp
Classification: Uncertain significance. Last evaluated: 2025-09-14. Review status: criteria provided, single submitter. Criteria: Invitae Variant Classification Sherloc (09022015). Collection method: clinical testing. Allele origin: germline.
Comment: This sequence change replaces phenylalanine, which is neutral and non-polar, with leucine, which is neutral and non-polar, at codon 288 of the CASQ1 protein (p.Phe288Leu). This variant is present in population databases (no rsID available, gnomAD 0.005%). This variant has not been reported in the literature in individuals affected with CASQ1-related conditions. ClinVar contains an entry for this variant (Variation ID: 1764157). Invitae Evidence Modeling of protein sequence and biophysical properties (such as structural, functional, and spatial information, amino acid conservation, physicochemical variation, residue mobility, and thermodynamic stability) indicates that this missense variant is not expected to disrupt CASQ1 protein function with a negative predictive value of 80%. In summary, the available evidence is currently insufficient to determine the role of this variant in disease. Therefore, it has been classified as a Variant of Uncertain Significance.

Ambry Genetics
Classification: Uncertain significance for Inborn genetic diseases. Last evaluated: 2025-08-29. Review status: criteria provided, single submitter. Criteria: Ambry Variant Classification Scheme 2023. Collection method: clinical testing. Allele origin: germline.

Blueprint Genetics
Classification: Uncertain significance. Last evaluated: 2023-08-14. Review status: criteria provided, single submitter. Criteria: ACMG Guidelines, 2015. Collection method: clinical testing. Allele origin: germline.

NM_001231.5(CASQ1):c.864C>G (p.Phe288Leu)

Gene: CASQ1 (calsequestrin 1; plus strand). Cytogenetic location: 1q23.2.
Variant type: single nucleotide variant.
Coding change: c.864C>G on transcript NM_001231.5 (MANE Select); coding-DNA position 864, C replaced by G.
Protein change: p.Phe288Leu; replaces phenylalanine 288 with leucine.
Molecular consequence: missense variant.
Genome position (GRCh38, 1-based): chr1:160,198,712, C>G. VCF-style: chr1-160198712-C-G. GRCh37 (hg19) VCF-style: chr1-160168502-C-G.
Other names: short protein forms F288L.
Identifiers: ClinVar variation 1764157 (VCV001764157.10), dbSNP rs1318640852, ClinGen allele CA343260724.